The following is an entry in ClinVar:

ClinVar aggregate classification (germline): Uncertain significance. Review status: criteria provided, multiple submitters, no conflicts (2 of 4 stars). 2 submissions from 2 submitters: Uncertain significance (2). Last evaluated 2025-06-03.

Conditions:
Inborn genetic diseases. Identifiers: MedGen C0950123, MeSH D030342.

Allele frequency attached by ClinVar (database versions not stated): gnomAD 0.00004; gnomAD exomes below 0.00001; ExAC 0.00001; TOPMed 0.00003.

Submissions (3):

Ambry Genetics
Classification: Uncertain significance for Inborn genetic diseases. Last evaluated: 2025-06-03. Review status: criteria provided, single submitter. Criteria: Ambry Variant Classification Scheme 2023. Collection method: clinical testing. Allele origin: germline.

Labcorp Genetics (formerly Invitae), Labcorp
Classification: Uncertain significance. Last evaluated: 2022-05-25. Review status: criteria provided, single submitter. Criteria: Invitae Variant Classification Sherloc (09022015). Collection method: clinical testing. Allele origin: germline.
Comment: In summary, the available evidence is currently insufficient to determine the role of this variant in disease. Therefore, it has been classified as a Variant of Uncertain Significance. This sequence change replaces asparagine, which is neutral and polar, with serine, which is neutral and polar, at codon 239 of the FLVCR2 protein (p.Asn239Ser). This variant is present in population databases (rs112225143, gnomAD 0.02%). This variant has not been reported in the literature in individuals affected with FLVCR2-related conditions. Algorithms developed to predict the effect of missense changes on protein structure and function output the following: SIFT: "Tolerated"; PolyPhen-2: "Benign"; Align-GVGD: "Class C0". The serine amino acid residue is found in multiple mammalian species, which suggests that this missense change does not adversely affect protein function.

Dr. Peter K. Rogan Lab, Western University
No classification provided (evidence only). Condition: Cervical cancer. Review status: no classification provided. Collection method: in vitro. Allele origin: not applicable. Functional consequence: retained intron. Not counted in ClinVar's aggregate classification.

NM_017791.3(FLVCR2):c.716A>G (p.Asn239Ser)

Gene: FLVCR2 (FLVCR choline and putative heme transporter 2; plus strand). Cytogenetic location: 14q24.3.
Variant type: single nucleotide variant.
Coding change: c.716A>G on transcript NM_017791.3 (MANE Select); coding-DNA position 716, A replaced by G.
Protein change: p.Asn239Ser; replaces asparagine 239 with serine.
Molecular consequence: missense variant.
Genome position (GRCh38, 1-based): chr14:75,622,125, A>G. VCF-style: chr14-75622125-A-G. GRCh37 (hg19) VCF-style: chr14-76088468-A-G.
Other names: c.716A>G (NM_017791.2); c.101A>G, p.Asn34Ser (NM_001195283.2); short protein forms N239S, N34S.
Identifiers: ClinVar variation 1926674 (VCV001926674.7), dbSNP rs112225143, ClinGen allele CA7278287.